The following is an entry in ClinVar:

ClinVar aggregate classification (germline): Likely benign. Review status: criteria provided, multiple submitters, no conflicts (2 of 4 stars). 4 submissions from 4 submitters: Likely benign (4). Last evaluated 2025-06-29.

Conditions:
Inborn genetic diseases. Identifiers: MedGen C0950123, MeSH D030342.

Allele frequency attached by ClinVar (database versions not stated): ExAC 0.00007; ESP Exome Variant Server 0.00017; gnomAD 0.00019; TOPMed 0.00028.
gnomAD v4.1: 604 of 1,613,630 alleles (0.037%); highest among the groups gnomAD compares: Non-Finnish European, 0.047%; no homozygotes.

Submissions (4):

Labcorp Genetics (formerly Invitae), Labcorp
Classification: Likely benign. Last evaluated: 2025-06-29. Review status: criteria provided, single submitter. Criteria: Invitae Variant Classification Sherloc (09022015). Collection method: clinical testing. Allele origin: germline.

CeGaT Center for Human Genetics Tuebingen
Classification: Likely benign. Last evaluated: 2024-03-01. Review status: criteria provided, single submitter. Criteria: CeGaT Center For Human Genetics Tuebingen Variant Classification Criteria Version 2. Collection method: clinical testing. Allele origin: germline. Affected: yes. Observed: 2 variant alleles.
Comment: CHD8: BP4, BP7

GeneDx
Classification: Likely benign. Last evaluated: 2020-11-27. Review status: criteria provided, single submitter. Criteria: GeneDx Variant Classification Process June 2021. Collection method: clinical testing. Allele origin: germline. Affected: yes.

Ambry Genetics
Classification: Likely benign for Inborn genetic diseases. Last evaluated: 2016-05-06. Review status: criteria provided, single submitter. Criteria: Ambry Variant Classification Scheme 2023. Collection method: clinical testing. Allele origin: germline.

NM_001170629.2(CHD8):c.4752A>G (p.Leu1584=)

Gene: CHD8 (chromodomain helicase DNA binding protein 8; minus strand). Cytogenetic location: 14q11.2.
Variant type: single nucleotide variant.
Coding change: c.4752A>G on transcript NM_001170629.2 (MANE Select); coding-DNA position 4752, A replaced by G.
Protein change: p.Leu1584=; no amino-acid change (leucine 1584 retained).
Molecular consequence: synonymous variant.
Genome position (GRCh38, 1-based): chr14:21,400,046, T>C on the plus strand (A>G on the coding strand, the complement: CHD8 is on the minus strand). VCF-style: chr14-21400046-T-C. GRCh37 (hg19) VCF-style: chr14-21868205-T-C.
Other names: c.3915A>G, p.Leu1305= (NM_020920.4).
Identifiers: ClinVar variation 589681 (VCV000589681.35), dbSNP rs61756311, ClinGen allele CA7091148.
Genomic context (GRCh38, chr14:21,400,046, plus strand): 5'-AATCGCACCCCCTAACACCTTTTCTGCTTGGTCTCCAATAACCTCCTGCCTCAGGTAGTA[T>C]AGCATTCGTACCCGCAACAGTACCCTAGAAAGGACAGAGGAAGAGCTGGCTCAGTAACAC-3'
Protein context (NP_001164100.1, residues 1574-1594): CNKVLLRVRM[Leu1584=]YYLRQEVIGD